The following is an entry in ClinVar:

ClinVar aggregate classification (germline): Pathogenic (3 of 4 stars; one submission).

Conditions:
Breast-ovarian cancer, familial, susceptibility to, 1 (BROVCA1). Also called: BRCA1 Hereditary Breast and Ovarian Cancer; OVARIAN CANCER, SUSCEPTIBILITY TO. Identifiers: Orphanet 145, MedGen C2676676, MONDO:0011450, OMIM 604370. Disease mechanism: loss of function.

Submission:

Evidence-based Network for the Interpretation of Germline Mutant Alleles (ENIGMA)
Classification: Pathogenic for Breast-ovarian cancer, familial, susceptibility to, 1. Last evaluated: 2017-12-15. Review status: reviewed by expert panel. Criteria: ENIGMA BRCA1/2 Classification Criteria (2017-06-29). Collection method: curation. Allele origin: germline. Study: ENIGMA.
Comment: Variant allele predicted to encode a truncated non-functional protein.

NM_007294.4(BRCA1):c.955_956insGT (p.Asn319fs)

Gene: BRCA1 (BRCA1 DNA repair associated; minus strand). Cytogenetic location: 17q21.31.
Variant type: Insertion.
Coding change: c.955_956insGT on transcript NM_007294.4 (MANE Select); coding-DNA positions 955 to 956, GT inserted.
Protein change: p.Asn319fs; shifts the reading frame from asparagine 319.
Molecular consequence: frameshift variant. On other transcripts: intron variant (137).
Genome position: GRCh38 VCF-style: chr17-43094575-T-TAC. GRCh37 (hg19) VCF-style: chr17-41246592-T-TAC.
Other names: c.955_956insGT, p.Asn319fs (NM_001407594.1, NM_001407596.1, NM_001407597.1 and 30 more transcripts); c.952_953insGT, p.Asn318fs (NM_001407610.1, NM_001407611.1, NM_001407612.1 and 22 more transcripts); c.946_947insGT, p.Asn316fs (NM_001407646.1, NM_001407647.1); c.832_833insGT, p.Asn278fs (NM_001407648.1, NM_001407664.1, NM_001407665.1 and 19 more transcripts); c.829_830insGT, p.Asn277fs (NM_001407649.1, NM_001407685.1, NM_001407686.1 and 11 more transcripts); c.874_875insGT, p.Asn292fs (NM_001407660.1, NM_001407661.1, NM_001407662.1 and 1 more transcripts); c.877_878insGT, p.Asn293fs (NM_001407663.1, NM_001407653.1, NM_001407654.1 and 4 more transcripts); c.814_815insGT, p.Asn272fs (NM_001407697.1, NM_001407698.1, NM_001407724.1 and 29 more transcripts); and 40 more; short protein forms N272fs, N319fs, N252fs, N292fs, N192fs, N207fs, N208fs, N230fs.
Identifiers: ClinVar variation 548317 (VCV000548317.2), dbSNP rs1555592770, ClinGen allele CA658824547.